The following is an entry in ClinVar:

NM_177438.3(DICER1):c.164C>G (p.Ala55Gly)

Gene: DICER1 (dicer 1, ribonuclease III; minus strand). Cytogenetic location: 14q32.13.
Variant type: single nucleotide variant.
Coding change: c.164C>G on transcript NM_177438.3 (MANE Select); coding-DNA position 164, C replaced by G.
Protein change: p.Ala55Gly; replaces alanine 55 with glycine.
Molecular consequence: missense variant.
Genome position (GRCh38, 1-based): chr14:95,132,658, G>C on the plus strand (C>G on the coding strand, the complement: DICER1 is on the minus strand). VCF-style: chr14-95132658-G-C. GRCh37 (hg19) VCF-style: chr14-95598995-G-C.
Other names: c.164C>G, p.Ala55Gly (NM_001195573.1, NM_001271282.3, NM_001291628.2 and 1 more transcripts); short protein forms A55G.
Identifiers: ClinVar variation 1409585 (VCV001409585.9), dbSNP rs2140289108, ClinGen allele CA390890104.

ClinVar aggregate classification (germline): Uncertain significance (1 of 4 stars; one submission).

Conditions:
DICER1-related tumor predisposition. Also called: DICER1-related pleuropulmonary blastoma cancer predisposition syndrome; DICER1 syndrome. Identifiers: Orphanet 284343, MedGen C3839822, MONDO:0100216.

Submission:

Labcorp Genetics (formerly Invitae), Labcorp
Classification: Uncertain significance for DICER1-related tumor predisposition. Last evaluated: 2020-11-02. Review status: criteria provided, single submitter. Criteria: Invitae Variant Classification Sherloc (09022015). Collection method: clinical testing. Allele origin: germline.
Comment: This variant has not been reported in the literature in individuals with DICER1-related conditions. In summary, the available evidence is currently insufficient to determine the role of this variant in disease. Therefore, it has been classified as a Variant of Uncertain Significance. Algorithms developed to predict the effect of sequence changes on RNA splicing suggest that this variant may create or strengthen a splice site, but this prediction has not been confirmed by published transcriptional studies. Algorithms developed to predict the effect of missense changes on protein structure and function (SIFT, PolyPhen-2, Align-GVGD) all suggest that this variant is likely to be disruptive, but these predictions have not been confirmed by published functional studies and their clinical significance is uncertain. This variant is not present in population databases (ExAC no frequency). This sequence change replaces alanine with glycine at codon 55 of the DICER1 protein (p.Ala55Gly). The alanine residue is highly conserved and there is a small physicochemical difference between alanine and glycine.